The following is an entry in ClinVar:

ClinVar aggregate classification (germline): Benign/Likely benign. Review status: criteria provided, multiple submitters, no conflicts (2 of 4 stars). 3 submissions from 3 submitters: Benign (1); Likely benign (2). Last evaluated 2025-10-31.

Allele frequency attached by ClinVar (database versions not stated): gnomAD 0.00003 and 0.00004; gnomAD exomes 0.00004 and 0.00007; TOPMed 0.00004; ExAC 0.00010.
gnomAD v4.1: 56 of 1,503,310 alleles (0.0037%); highest among the groups gnomAD compares: East Asian, 0.0068%; no homozygotes.

Submissions (3):

Labcorp Genetics (formerly Invitae), Labcorp
Classification: Likely benign. Last evaluated: 2025-10-31. Review status: criteria provided, single submitter. Criteria: Invitae Variant Classification Sherloc (09022015). Collection method: clinical testing. Allele origin: germline.

Ambry Genetics
Classification: Likely benign. Last evaluated: 2022-02-12. Review status: criteria provided, single submitter. Criteria: Ambry Variant Classification Scheme 2023. Collection method: clinical testing. Allele origin: germline.

Women's Health and Genetics/Laboratory Corporation of America, LabCorp
Classification: Benign. Last evaluated: 2017-09-12. Review status: criteria provided, single submitter. Criteria: LabCorp Variant Classification Summary - May 2015. Collection method: clinical testing. Allele origin: germline.
Comment: Variant summary: The FAM175A c.676T>C (p.Leu226Leu) variant involves the alteration of a conserved nucleotide causing a synonymous change and 5/5 splice prediction tools predict no significant impact on normal splicing. ESE finder predicts that this variant may slightly alter ESE binding. However, these predictions have yet to be confirmed by functional studies. This variant was found in 21/272520 control chromosomes at a frequency of 0.0000771, which is approximately 2 times the estimated maximal expected allele frequency of a pathogenic FAM175A variant (0.0000313), suggesting this variant is likely a benign polymorphism. A clinical diagnostic laboratory classified this variant as likely benign. The variant of interest has not, to our knowledge, been reported in affected individuals via publications. Taken together, this variant is classified as benign.

NM_139076.3(ABRAXAS1):c.676T>C (p.Leu226=)

Gene: ABRAXAS1 (abraxas 1, BRCA1 A complex subunit; minus strand). Cytogenetic location: 4q21.23.
Variant type: single nucleotide variant.
Coding change: c.676T>C on transcript NM_139076.3 (MANE Select); coding-DNA position 676, T replaced by C.
Protein change: p.Leu226=; no amino-acid change (leucine 226 retained).
Molecular consequence: synonymous variant.
Genome position (GRCh38, 1-based): chr4:83,467,459, A>G on the plus strand (T>C on the coding strand, the complement: ABRAXAS1 is on the minus strand). VCF-style: chr4-83467459-A-G. GRCh37 (hg19) VCF-style: chr4-84388612-A-G.
Other names: c.349T>C, p.Leu117= (NM_001345962.2).
Identifiers: ClinVar variation 241857 (VCV000241857.15), dbSNP rs769383568, ClinGen allele CA2990488.